The following is an entry in ClinVar:

NM_001165963.4(SCN1A):c.425G>C (p.Cys142Ser)

Gene: SCN1A (sodium voltage-gated channel alpha subunit 1; minus strand). Cytogenetic location: 2q24.3.
Variant type: single nucleotide variant.
Coding change: c.425G>C on transcript NM_001165963.4 (MANE Select); coding-DNA position 425, G replaced by C.
Protein change: p.Cys142Ser; replaces cysteine 142 with serine.
Molecular consequence: missense variant. On other transcripts: 5 prime UTR variant (1), non-coding transcript variant (1).
Genome position (GRCh38, 1-based): chr2:166,056,459, C>G on the plus strand (G>C on the coding strand, the complement: SCN1A is on the minus strand). VCF-style: chr2-166056459-C-G. GRCh37 (hg19) VCF-style: chr2-166912969-C-G.
Other names: c.425G>C, p.Cys142Ser (NM_001165964.3, NM_001202435.3, NM_001353948.2 and 10 more transcripts); c.-2001G>C (NM_001353961.2); short protein forms C142S.
Identifiers: ClinVar variation 4630311 (VCV004630311.2).

ClinVar aggregate classification (germline): Uncertain significance. Review status: criteria provided, multiple submitters, no conflicts (2 of 4 stars). 2 submissions from 2 submitters: Uncertain significance (2). Last evaluated 2025-10-27.

Conditions:
Inborn genetic diseases. Identifiers: MedGen C0950123, MeSH D030342.
Early-infantile DEE. Also called: Early infantile epileptic encephalopathy; Early infantile epileptic encephalopathy with suppression bursts; Ohtahara syndrome. Identifiers: Orphanet 1934, MedGen C0393706, MONDO:0800491.

Submissions (2):

Ambry Genetics
Classification: Uncertain significance for Inborn genetic diseases. Last evaluated: 2025-10-27. Review status: criteria provided, single submitter. Criteria: Ambry Variant Classification Scheme 2023. Collection method: clinical testing. Allele origin: germline.
Comment: The c.425G>C (p.C142S) alteration is located in exon 3 (coding exon 3) of the SCN1A gene. This alteration results from a G to C substitution at nucleotide position 425, causing the cysteine (C) at amino acid position 142 to be replaced by a serine (S). This variant was not reported in population-based cohorts in the Genome Aggregation Database (gnomAD). This amino acid position is highly conserved in available vertebrate species. This missense alteration is located in a region that has a low rate of benign missense variation (Lek, 2016; Firth, 2009). This alteration is predicted to be deleterious by in silico analysis. Based on insufficient or conflicting evidence, the clinical significance of this alteration remains unclear.

Labcorp Genetics (formerly Invitae), Labcorp
Classification: Uncertain significance for Early-infantile DEE. Last evaluated: 2025-04-12. Review status: criteria provided, single submitter. Criteria: Invitae Variant Classification Sherloc (09022015). Collection method: clinical testing. Allele origin: germline.
Comment: This sequence change replaces cysteine, which is neutral and slightly polar, with serine, which is neutral and polar, at codon 142 of the SCN1A protein (p.Cys142Ser). This variant is not present in population databases (gnomAD no frequency). This missense change has been observed in individual(s) with clinical features of SCN1A-related conditions (internal data). Invitae Evidence Modeling of protein sequence and biophysical properties (such as structural, functional, and spatial information, amino acid conservation, physicochemical variation, residue mobility, and thermodynamic stability) indicates that this missense variant is expected to disrupt SCN1A protein function with a positive predictive value of 95%. This variant disrupts the p.Cys142 amino acid residue in SCN1A. Other variant(s) that disrupt this residue have been observed in individuals with SCN1A-related conditions (PMID: 33895391, 35074891), which suggests that this may be a clinically significant amino acid residue. In summary, the available evidence is currently insufficient to determine the role of this variant in disease. Therefore, it has been classified as a Variant of Uncertain Significance.

Literature cited by the submitters: PubMed 33895391 (cited by Labcorp Genetics (formerly Invitae), Labcorp); PubMed 35074891 (cited by Labcorp Genetics (formerly Invitae), Labcorp).